The following is an entry in ClinVar:

NM_001851.6(COL9A1):c.911del (p.Pro304fs)

Gene: COL9A1 (collagen type IX alpha 1 chain; minus strand). Cytogenetic location: 6q13.
Variant type: Deletion.
Coding change: c.911del on transcript NM_001851.6 (MANE Select); coding-DNA position 911, one base deleted (C; older notation c.911delC).
Protein change: p.Pro304fs; shifts the reading frame from proline 304.
Molecular consequence: frameshift variant. On other transcripts: non-coding transcript variant (1).
Genome position (GRCh38, 1-based): chr6:70,281,005, G deleted on the plus strand (C on the coding strand, the reverse complement: COL9A1 is on the minus strand); the first of 6 consecutive G bases (chr6:70,281,005-70,281,010); deleting any one gives the same sequence. VCF-style (leftmost placement, unchanged base first): chr6-70281004-CG-C. GRCh37 (hg19) VCF-style: chr6-70990707-CG-C.
Other names: c.182del, p.Pro61fs (NM_001377289.1, NM_001377290.1, NM_078485.4); c.911del, p.Pro304fs (NM_001377291.1); short protein forms P304fs, P61fs.
Identifiers: ClinVar variation 2444431 (VCV002444431.2), dbSNP rs2483455914, ClinGen allele CA2578664143.

ClinVar aggregate classification (germline): Pathogenic/Likely pathogenic. Review status: criteria provided, multiple submitters, no conflicts (2 of 4 stars). 2 submissions from 2 submitters: Pathogenic (1); Likely pathogenic (1). Last evaluated 2025-10-29.

Conditions:
Epiphyseal dysplasia, multiple, 6. Also called: COL9A1-Related Multiple Epiphyseal Dysplasia. Identifiers: MedGen C2675767, MONDO:0013591, OMIM 614135.

Submissions (2):

Labcorp Genetics (formerly Invitae), Labcorp
Classification: Pathogenic. Last evaluated: 2025-10-29. Review status: criteria provided, single submitter. Criteria: Invitae Variant Classification Sherloc (09022015). Collection method: clinical testing. Allele origin: germline.
Comment: This sequence change creates a premature translational stop signal (p.Pro304Argfs*24) in the COL9A1 gene. It is expected to result in an absent or disrupted protein product. Loss-of-function variants in COL9A1 are known to be pathogenic (PMID: 16909383, 21421862). This variant is not present in population databases (gnomAD no frequency). This variant has not been reported in the literature in individuals affected with COL9A1-related conditions. ClinVar contains an entry for this variant (Variation ID: 2444431). For these reasons, this variant has been classified as Pathogenic.

3billion
Classification: Likely pathogenic for Epiphyseal dysplasia, multiple, 6. Last evaluated: 2023-02-23. Review status: criteria provided, single submitter. Criteria: ACMG Guidelines, 2015. Collection method: clinical testing. Allele origin: unknown. Affected: yes.
Comment: The variant is not observed in the gnomAD v2.1.1 dataset. This variant was predicted to result in a loss or disruption of normal protein function through nonsense-mediated decay (NMD) or protein truncation. Multiple pathogenic variants are reported downstream of the variant. Therefore, this variant is classified as Likely pathogenic according to the recommendation of ACMG/AMP guideline.

Literature cited by the submitters: PubMed 16909383 (cited by Labcorp Genetics (formerly Invitae), Labcorp); PubMed 21421862 (cited by Labcorp Genetics (formerly Invitae), Labcorp).